The following is an entry in ClinVar:

NM_015629.4(PRPF31):c.-9+3G>A

Gene: PRPF31 (pre-mRNA processing factor 31; plus strand). Cytogenetic location: 19q13.42.
Variant type: single nucleotide variant.
Coding change: c.-9+3G>A on transcript NM_015629.4 (MANE Select); 3 bases into the intron after 9 bases upstream of the start codon, G replaced by A.
Molecular consequence: intron variant.
Genome position (GRCh38, 1-based): chr19:54,115,800, G>A. VCF-style: chr19-54115800-G-A. GRCh37 (hg19) VCF-style: chr19-54619180-G-A.
Identifiers: ClinVar variation 893745 (VCV000893745.5), dbSNP rs762066202, ClinGen allele CA309318893.

ClinVar aggregate classification (germline): Conflicting classifications of pathogenicity. Review status: criteria provided, conflicting classifications (1 of 4 stars). 2 submissions from 2 submitters: Uncertain significance (1); Likely benign (1). Last evaluated 2025-04-03.

Conditions:
PRPF31-related disorder. Also called: PRPF31-related condition.
Retinitis pigmentosa (RP). Identifiers: Orphanet 791, MedGen C0035334, MeSH D012174, MONDO:0019200, OMIM 268000. Inheritance: Autosomal dominant, autosomal recessive and X linked inheritance.

Allele frequency attached by ClinVar (database versions not stated): gnomAD 0.00058 and 0.00061; TOPMed 0.00068; gnomAD exomes 0.00050.
gnomAD v4.1: 125 of 232,434 alleles (0.054%); highest among the groups gnomAD compares: Non-Finnish European, 0.094%; no homozygotes.

Submissions (2):

PreventionGenetics, part of Exact Sciences
Classification: Likely benign for PRPF31-related condition. Last evaluated: 2025-04-03. Review status: criteria provided, single submitter. Criteria: ACMG Guidelines, 2015. Collection method: clinical testing. Allele origin: germline.
Comment: This variant is classified as likely benign based on ACMG/AMP sequence variant interpretation guidelines (Richards et al. 2015 PMID: 25741868, with internal and published modifications).

Illumina Laboratory Services, Illumina
Classification: Uncertain significance for Retinitis pigmentosa. Last evaluated: 2018-01-13. Review status: criteria provided, single submitter. Criteria: ICSL Variant Classification Criteria 13 December 2019. Collection method: clinical testing. Allele origin: germline.